The following is an entry in ClinVar:

ClinVar aggregate classification (germline): Likely pathogenic (1 of 4 stars; one submission).

Conditions:
Hereditary spastic paraplegia 11. Also called: Spastic Paraplegia 11; Spastic paraplegia, mental retardation and thin corpus callosum; Nakamura Osame syndrome; Autosomal recessive hereditary spastic paraplegia, mental impairment, and thin corpus callosum; SPASTIC PARAPLEGIA, AUTOSOMAL RECESSIVE, COMPLICATED, WITH THIN CORPUS CALLOSUM; SPASTIC PARAPLEGIA, AUTOSOMAL RECESSIVE, WITH MENTAL IMPAIRMENT AND THIN CORPUS CALLOSUM. Identifiers: Orphanet 2822, MedGen C1858479, MONDO:0011445, OMIM 604360.

Submission:

Labcorp Genetics (formerly Invitae), Labcorp
Classification: Likely pathogenic for Hereditary spastic paraplegia 11. Last evaluated: 2016-09-11. Review status: criteria provided, single submitter. Criteria: Invitae Variant Classification Sherloc (09022015). Collection method: clinical testing. Allele origin: germline.
Comment: This sequence change affects an acceptor splice site in intron 35 of the SPG11 gene. It is expected to disrupt RNA splicing and likely results in an absent or disrupted protein product. This variant is not present in population databases (ExAC no frequency) and has not been reported in the literature in individuals with a SPG11-related disease. For these reasons, this variant has been classified as Likely Pathogenic. Algorithms developed to predict the effect of sequence changes on RNA splicing suggest that this variant may alter RNA splicing, but this prediction has not been confirmed by published transcriptional studies.

NM_025137.4(SPG11):c.6586-1G>T

Gene: SPG11 (SPG11 vesicle trafficking associated, spatacsin; minus strand). Cytogenetic location: 15q21.1.
Variant type: single nucleotide variant.
Coding change: c.6586-1G>T on transcript NM_025137.4 (MANE Select); the canonical splice acceptor site of the intron before coding-DNA position 6586, G replaced by T.
Molecular consequence: splice acceptor variant.
Genome position (GRCh38, 1-based): chr15:44,567,593, C>A on the plus strand (G>T on the coding strand, the complement: SPG11 is on the minus strand). VCF-style: chr15-44567593-C-A. GRCh37 (hg19) VCF-style: chr15-44859791-C-A.
Other names: c.6442-1G>T (NM_001411132.1); c.6247-1G>T (NM_001160227.2).
Identifiers: ClinVar variation 406523 (VCV000406523.7), dbSNP rs1060501174, ClinGen allele CA16614602.